The following is an entry in ClinVar:

NM_032888.4(COL27A1):c.1521_1523del (p.Met507_Val508delinsIle)

Gene: COL27A1 (collagen type XXVII alpha 1 chain; plus strand). Cytogenetic location: 9q32.
Variant type: Deletion.
Coding change: c.1521_1523del on transcript NM_032888.4 (MANE Select); coding-DNA positions 1521 to 1523, 3 bases deleted (GGT; older notation c.1521_1523delGGT).
Protein change: p.Met507_Val508delinsIle.
Molecular consequence: inframe indel.
Genome position (GRCh38, 1-based): chr9:114,169,076-114,169,078, GGT deleted; deleting any 3 consecutive bases within chr9:114,169,075-114,169,078 gives the same sequence; the c. name uses the placement nearest the transcript's 3' end. VCF-style (leftmost placement, unchanged base first): chr9-114169074-ATGG-A. GRCh37 (hg19) VCF-style: chr9-116931354-ATGG-A.
Identifiers: ClinVar variation 1377967 (VCV001377967.3), dbSNP rs2135084775, ClinGen allele CA2573143808.

ClinVar aggregate classification (germline): Uncertain significance (1 of 4 stars; one submission).

Submission:

Labcorp Genetics (formerly Invitae), Labcorp
Classification: Uncertain significance. Last evaluated: 2021-08-27. Review status: criteria provided, single submitter. Criteria: Invitae Variant Classification Sherloc (09022015). Collection method: clinical testing. Allele origin: germline.
Comment: This variant, c.1521_1523del, is a complex sequence change that results in the deletion of 2 and insertion of 1 amino acid(s) in the COL27A1 protein (p.Met507_Val508delinsIle). This variant is not present in population databases (ExAC no frequency). This variant has not been reported in the literature in individuals affected with COL27A1-related conditions. Experimental studies and prediction algorithms are not available or were not evaluated, and the functional significance of this variant is currently unknown. In summary, the available evidence is currently insufficient to determine the role of this variant in disease. Therefore, it has been classified as a Variant of Uncertain Significance.